The following is an entry in ClinVar:

NM_004304.5(ALK):c.3744-32A>G

Gene: ALK (ALK receptor tyrosine kinase; minus strand). Cytogenetic location: 2p23.2.
Variant type: single nucleotide variant.
Coding change: c.3744-32A>G on transcript NM_004304.5 (MANE Select); 32 bases into the intron before coding-DNA position 3744, A replaced by G.
Molecular consequence: intron variant.
Genome position (GRCh38, 1-based): chr2:29,209,910, T>C on the plus strand (A>G on the coding strand, the complement: ALK is on the minus strand). VCF-style: chr2-29209910-T-C. GRCh37 (hg19) VCF-style: chr2-29432776-T-C.
Other names: c.540-32A>G (NM_001353765.2).
Identifiers: ClinVar variation 676805 (VCV000676805.2), dbSNP rs3738867, ClinGen allele CA1593791.

ClinVar aggregate classification (germline): Benign. Review status: criteria provided, multiple submitters, no conflicts (2 of 4 stars). 2 submissions from 2 submitters: Benign (2). Last evaluated 2018-06-16.

Allele frequency attached by ClinVar (database versions not stated): gnomAD exomes 0.02583 and 0.03868; ExAC 0.04344; gnomAD 0.09164 and 0.09608; TOPMed 0.10059; ESP Exome Variant Server 0.10111; 1000 Genomes Project 0.10903; 1000 Genomes Project 30x 0.11321.
gnomAD v4.1: 51,039 of 1,569,330 alleles (3.3%); highest among the groups gnomAD compares: African/African-American, 27%; 3,218 homozygotes.

Submissions (2):

GeneDx
Classification: Benign. Last evaluated: 2018-06-16. Review status: criteria provided, single submitter. Criteria: GeneDx Variant Classification (06012015). Collection method: clinical testing. Allele origin: germline. Affected: yes.
Comment: This variant is considered likely benign or benign based on one or more of the following criteria: it is a conservative change, it occurs at a poorly conserved position in the protein, it is predicted to be benign by multiple in silico algorithms, and/or has population frequency not consistent with disease.

Breakthrough Genomics
Classification: Benign. Review status: criteria provided, single submitter. Criteria: ACMG Guidelines, 2015. Collection method: not provided. Allele origin: germline. Inheritance: Unknown mechanism. Affected: yes.